The following is an entry in ClinVar:

ClinVar aggregate classification (germline): Uncertain significance (1 of 4 stars; one submission).

Conditions:
Hereditary cancer-predisposing syndrome. Also called: Tumor predisposition; Hereditary Cancer Syndrome; Hereditary neoplastic syndrome; Neoplastic Syndromes, Hereditary. Identifiers: Orphanet 140162, MedGen C0027672, MeSH D009386, MONDO:0015356.

Submission:

Ambry Genetics
Classification: Uncertain significance for Hereditary cancer-predisposing syndrome. Last evaluated: 2022-12-17. Review status: criteria provided, single submitter. Criteria: Ambry Variant Classification Scheme 2023. Collection method: clinical testing. Allele origin: germline.
Comment: The p.F2265S variant (also known as c.6794T>C), located in coding exon 45 of the ATM gene, results from a T to C substitution at nucleotide position 6794. The phenylalanine at codon 2265 is replaced by serine, an amino acid with highly dissimilar properties. This amino acid position is conserved. In addition, this alteration is predicted to be tolerated by in silico analysis. Since supporting evidence is limited at this time, the clinical significance of this alteration remains unclear.

NM_000051.4(ATM):c.6794T>C (p.Phe2265Ser)

Genes: ATM (ATM serine/threonine kinase; plus strand), C11orf65 (chromosome 11 open reading frame 65; minus strand). Cytogenetic location: 11q22.3.
Variant type: single nucleotide variant.
Coding change: c.6794T>C on transcript NM_000051.4 (MANE Select); coding-DNA position 6794, T replaced by C.
Protein change: p.Phe2265Ser; replaces phenylalanine 2265 with serine.
Molecular consequence: missense variant. On other transcripts: intron variant (2).
Genome position (GRCh38, 1-based): chr11:108,325,531, T>C. VCF-style: chr11-108325531-T-C. GRCh37 (hg19) VCF-style: chr11-108196258-T-C.
Other names: c.6794T>C, p.Phe2265Ser (NM_001351834.2); c.641-16460A>G (NM_001330368.2); c.*38+9689A>G (NM_001351110.2); short protein forms F2265S.
Identifiers: ClinVar variation 2453947 (VCV002453947.2), dbSNP rs1179172483, ClinGen allele CA382555538.